The following is an entry in ClinVar:

ClinVar aggregate classification (germline): Uncertain significance (1 of 4 stars; one submission).

Conditions:
Hereditary cancer-predisposing syndrome. Also called: Hereditary Cancer Syndrome; Hereditary neoplastic syndrome; Neoplastic Syndromes, Hereditary; Tumor predisposition. Identifiers: Orphanet 140162, MedGen C0027672, MeSH D009386, MONDO:0015356.

Submission:

Ambry Genetics
Classification: Uncertain significance for Hereditary cancer-predisposing syndrome. Last evaluated: 2022-05-04. Review status: criteria provided, single submitter. Criteria: Ambry Variant Classification Scheme 2023. Collection method: clinical testing. Allele origin: germline.
Comment: The p.E458D variant (also known as c.1374A>C), located in coding exon 14 of the RB1 gene, results from an A to C substitution at nucleotide position 1374. The glutamic acid at codon 458 is replaced by aspartic acid, an amino acid with highly similar properties. This amino acid position is conserved. In addition, this alteration is predicted to be deleterious by in silico analysis. Since supporting evidence is limited at this time, the clinical significance of this alteration remains unclear.

NM_000321.3(RB1):c.1374A>C (p.Glu458Asp)

Gene: RB1 (RB transcriptional corepressor 1; plus strand). Cytogenetic location: 13q14.2.
Variant type: single nucleotide variant.
Coding change: c.1374A>C on transcript NM_000321.3 (MANE Select); coding-DNA position 1374, A replaced by C.
Protein change: p.Glu458Asp; replaces glutamic acid 458 with aspartic acid.
Molecular consequence: missense variant.
Genome position (GRCh38, 1-based): chr13:48,379,635, A>C. VCF-style: chr13-48379635-A-C. GRCh37 (hg19) VCF-style: chr13-48953771-A-C.
Other names: c.1374A>C, p.Glu458Asp (NM_001407165.1, NM_001407166.1); short protein forms E458D.
Identifiers: ClinVar variation 1771104 (VCV001771104.2), dbSNP rs774865033, ClinGen allele CA388162619.
Genomic context (GRCh38, chr13:48,379,635, plus strand): 5'-TCTTTTTGTTTGTTTGTAGCGATACAAACTTGGAGTTCGCTTGTATTACCGAGTAATGGA[A>C]TCCATGCTTAAATCAGTAAGTTAAAAACAATATAAAAAAATTTCAGCCGGGCGCGGTGGC-3'
Protein context (NP_000312.2, residues 448-468): LGVRLYYRVM[Glu458Asp]SMLKSEEERL